The following is an entry in ClinVar:

ClinVar aggregate classification (germline): Pathogenic (1 of 4 stars; one submission).

Conditions:
Perrault syndrome. Also called: Gonadal dysgenesis with auditory dysfunction, autosomal recessive inheritance. Identifiers: Orphanet 2855, MedGen C0685838, MONDO:0017312.
Bifunctional peroxisomal enzyme deficiency (DBIF). Also called: DBP DEFICIENCY; D-bifunctional protein deficiency; PBFE DEFICIENCY. Identifiers: Orphanet 300, MedGen C0342870, MONDO:0009855, OMIM 261515. Disease mechanism: loss of function.

Submission:

Labcorp Genetics (formerly Invitae), Labcorp
Classification: Pathogenic for Perrault syndrome; Bifunctional peroxisomal enzyme deficiency. Last evaluated: 2023-10-26. Review status: criteria provided, single submitter. Criteria: Invitae Variant Classification Sherloc (09022015). Collection method: clinical testing. Allele origin: germline.
Comment: This variant is a gross deletion of the genomic region encompassing exon(s) 5-8 of the HSD17B4 gene. This variant would be expected to be in-frame, preserving the integrity of the reading frame. This variant has not been reported in the literature in individuals affected with HSD17B4-related conditions. This variant disrupts a region of the HSD17B4 protein in which other variant(s) (p.Asn98Ser) have been determined to be pathogenic (PMID: 27790638). This suggests that this is a clinically significant region of the protein, and that variants that disrupt it are likely to be disease-causing. For these reasons, this variant has been classified as Pathogenic.

Literature cited by the submitters: PubMed 27790638.

NC_000005.9:g.(?_118811381)_(118814736_?)del

Gene: HSD17B4 (hydroxysteroid 17-beta dehydrogenase 4; plus strand). Cytogenetic location: 5q23.1.
Variant type: Deletion.
Identifiers: ClinVar variation 2423044 (VCV002423044.4).